The following is an entry in ClinVar:

NM_017780.4(CHD7):c.2726_2728del (p.Cys909del)

Gene: CHD7 (chromodomain helicase DNA binding protein 7; plus strand). Cytogenetic location: 8q12.2.
Variant type: Deletion.
Coding change: c.2726_2728del on transcript NM_017780.4 (MANE Select); coding-DNA positions 2726 to 2728, 3 bases deleted (GTT; older notation c.2726_2728delGTT).
Protein change: p.Cys909del; deletes cysteine 909.
Molecular consequence: inframe deletion. On other transcripts: intron variant (1).
Genome position (GRCh38, 1-based): chr8:60,821,818-60,821,820, GTT deleted; deleting any 3 consecutive bases within chr8:60,821,817-60,821,820 gives the same sequence; the c. name uses the placement nearest the transcript's 3' end. VCF-style (leftmost placement, unchanged base first): chr8-60821816-GTGT-G. GRCh37 (hg19) VCF-style: chr8-61734375-GTGT-G.
Other names: c.1717-40411_1717-40409del (NM_001316690.1); short protein forms C909del.
Identifiers: ClinVar variation 529129 (VCV000529129.8), dbSNP rs1554597381, ClinGen allele CA658797098.

ClinVar aggregate classification (germline): Uncertain significance (1 of 4 stars; one submission).

Conditions:
CHARGE syndrome (CHARGE). Also called: Hittner Hirsch Kreh syndrome; Coloboma, heart anomaly, choanal atresia, retardation, genital and ear anomalies; CHARGE association; Hall-Hittner syndrome; CHARGE ASSOCIATION--COLOBOMA, HEART ANOMALY, CHOANAL ATRESIA, RETARDATION, GENITAL AND EAR ANOMALIES. Identifiers: Orphanet 138, MedGen C0265354, MONDO:0008965.

Submission:

Labcorp Genetics (formerly Invitae), Labcorp
Classification: Uncertain significance for CHARGE syndrome. Last evaluated: 2017-11-08. Review status: criteria provided, single submitter. Criteria: Invitae Variant Classification Sherloc (09022015). Collection method: clinical testing. Allele origin: germline.
Comment: This variant is not present in population databases (ExAC no frequency). In summary, the available evidence is currently insufficient to determine the role of this variant in disease. Therefore, it has been classified as a Variant of Uncertain Significance. Experimental studies and prediction algorithms are not available for this variant, and the functional significance of the deleted amino acid is currently unknown. This variant has not been reported in the literature in individuals with CHD7-related disease. This variant, c.2726_2728delGTT, results in the deletion of 1 amino acid(s) of the CHD7 protein (p.Cys909del), but otherwise preserves the integrity of the reading frame.